The following is an entry in ClinVar:

NM_022765.4(MICAL1):c.2027C>T (p.Pro676Leu)

Gene: MICAL1 (microtubule associated monooxygenase, calponin and LIM domain containing 1; minus strand). Cytogenetic location: 6q21.
Variant type: single nucleotide variant.
Coding change: c.2027C>T on transcript NM_022765.4 (MANE Select); coding-DNA position 2027, C replaced by T.
Protein change: p.Pro676Leu; replaces proline 676 with leucine.
Molecular consequence: missense variant.
Genome position (GRCh38, 1-based): chr6:109,447,400, G>A on the plus strand (C>T on the coding strand, the complement: MICAL1 is on the minus strand). VCF-style: chr6-109447400-G-A. GRCh37 (hg19) VCF-style: chr6-109768603-G-A.
Other names: c.1769C>T, p.Pro590Leu (NM_001159291.2); c.2084C>T, p.Pro695Leu (NM_001286613.2); c.2027C>T (NM_022765.3); short protein forms P676L, P590L, P695L.
Identifiers: ClinVar variation 1514176 (VCV001514176.7), dbSNP rs773936161, ClinGen allele CA3953105.
Genomic context (GRCh38, chr6:109,447,400, plus strand): 5'-CAAAGCCTGGCTCTCACCTCCTGGTGTTGGGATGGGGGTGTCAGGGGTACACCAGGCTCT[G>A]GGTCAGGTGGCACCTCAGTACTTGGGGTCTCGGCCTCCATCTAAGGAGGTAAGTGCTCAG-3'
Protein context (NP_073602.3, residues 666-686): ETPSTEVPPD[Pro676Leu]EPGVPLTPPS

ClinVar aggregate classification (germline): Uncertain significance. Review status: criteria provided, multiple submitters, no conflicts (2 of 4 stars). 2 submissions from 2 submitters: Uncertain significance (2). Last evaluated 2022-10-26.

Allele frequency attached by ClinVar (database versions not stated): gnomAD exomes below 0.00001 and 0.00001; gnomAD 0.00001; TOPMed 0.00001; ExAC 0.00002.
gnomAD v4.1: 7 of 1,613,688 alleles (0.00043%); highest among the groups gnomAD compares: East Asian, 0.0022%; no homozygotes.

Submissions (2):

Ambry Genetics
Classification: Uncertain significance. Last evaluated: 2022-10-26. Review status: criteria provided, single submitter. Criteria: Ambry Variant Classification Scheme 2023. Collection method: clinical testing. Allele origin: germline.

Labcorp Genetics (formerly Invitae), Labcorp
Classification: Uncertain significance. Last evaluated: 2022-06-16. Review status: criteria provided, single submitter. Criteria: Invitae Variant Classification Sherloc (09022015). Collection method: clinical testing. Allele origin: germline.
Comment: In summary, the available evidence is currently insufficient to determine the role of this variant in disease. Therefore, it has been classified as a Variant of Uncertain Significance. Algorithms developed to predict the effect of missense changes on protein structure and function are either unavailable or do not agree on the potential impact of this missense change (SIFT: "Deleterious"; PolyPhen-2: "Benign"; Align-GVGD: "Class C0"). This sequence change replaces proline, which is neutral and non-polar, with leucine, which is neutral and non-polar, at codon 695 of the MICAL1 protein (p.Pro695Leu). This variant is present in population databases (rs773936161, gnomAD 0.0009%). This variant has not been reported in the literature in individuals affected with MICAL1-related conditions.